The following is an entry in ClinVar:

NM_001048174.2(MUTYH):c.238A>C (p.Lys80Gln)

Gene: MUTYH (mutY DNA glycosylase; minus strand). Cytogenetic location: 1p34.1.
Variant type: single nucleotide variant.
Coding change: c.238A>C on transcript NM_001048174.2 (MANE Select); coding-DNA position 238, A replaced by C.
Protein change: p.Lys80Gln; replaces lysine 80 with glutamine.
Molecular consequence: missense variant. On other transcripts: 5 prime UTR variant (6), non-coding transcript variant (7).
Genome position (GRCh38, 1-based): chr1:45,333,439, T>G on the plus strand (A>C on the coding strand, the complement: MUTYH is on the minus strand). VCF-style: chr1-45333439-T-G. GRCh37 (hg19) VCF-style: chr1-45799111-T-G.
Other names: c.238A>C, p.Lys80Gln (NM_001048171.2, NM_001407070.1, NM_001407072.1 and 6 more transcripts); c.-34A>C (NM_001350651.2, NM_001350650.2, NM_001407082.1); c.313A>C, p.Lys105Gln (NM_001407069.1, NM_012222.3); c.241A>C, p.Lys81Gln (NM_001407071.1, NM_001407078.1, NM_001048172.2 and 2 more transcripts); c.280A>C, p.Lys94Gln (NM_001407073.1, NM_001407083.1, NM_001407085.1); c.154A>C, p.Lys52Gln (NM_001407075.1); c.271A>C, p.Lys91Gln (NM_001407077.1, NM_001293191.2); c.-39A>C (NM_001293196.2, NM_001293192.2, NM_001407091.1); and 3 more; short protein forms K105Q, K80Q, K91Q, K81Q, K108Q, K87Q, K52Q, K94Q.
Identifiers: ClinVar variation 4113600 (VCV004113600.1).

ClinVar aggregate classification (germline): Uncertain significance (1 of 4 stars; one submission).

Conditions:
Hereditary cancer-predisposing syndrome. Also called: Hereditary neoplastic syndrome; Neoplastic Syndromes, Hereditary; Tumor predisposition; Hereditary Cancer Syndrome. Identifiers: Orphanet 140162, MedGen C0027672, MeSH D009386, MONDO:0015356.

Submission:

Ambry Genetics
Classification: Uncertain significance for Hereditary cancer-predisposing syndrome. Last evaluated: 2025-08-27. Review status: criteria provided, single submitter. Criteria: Ambry Variant Classification Scheme 2023. Collection method: clinical testing. Allele origin: germline.
Comment: The p.K108Q variant (also known as c.322A>C), located in coding exon 3 of the MUTYH gene, results from an A to C substitution at nucleotide position 322. The lysine at codon 108 is replaced by glutamine, an amino acid with similar properties. This amino acid position is conserved. In addition, the in silico prediction for this alteration is inconclusive. Based on the available evidence, the clinical significance of this variant remains unclear.